The following is an entry in ClinVar:

NM_001040108.2(MLH3):c.1267_1268del (p.Gln423fs)

Gene: MLH3 (mutL homolog 3; minus strand). Cytogenetic location: 14q24.3.
Variant type: Microsatellite.
Coding change: c.1267_1268del on transcript NM_001040108.2 (MANE Select); coding-DNA positions 1267 to 1268, 2 bases deleted (CA; older notation c.1267_1268delCA).
Protein change: p.Gln423fs; shifts the reading frame from glutamine 423.
Molecular consequence: frameshift variant.
Genome position (GRCh38, 1-based): chr14:75,048,388-75,048,389, TG deleted on the plus strand (CA on the coding strand, the reverse complement: MLH3 is on the minus strand); deleting any 2 consecutive bases within chr14:75,048,388-75,048,394 gives the same sequence; the c. name uses the placement nearest the transcript's 3' end. VCF-style (leftmost placement, unchanged base first): chr14-75048387-CTG-C. GRCh37 (hg19) VCF-style: chr14-75515090-CTG-C.
Other names: c.1267_1268del, p.Gln423fs (NM_014381.3); short protein forms Q423fs.
Identifiers: ClinVar variation 951010 (VCV000951010.7), dbSNP rs1892416579, ClinGen allele CA2147317992.

ClinVar aggregate classification (germline): Uncertain significance (1 of 4 stars; one submission).

Conditions:
Colorectal cancer, hereditary nonpolyposis, type 7. Identifiers: Orphanet 144, MedGen C1858380, MONDO:0013725, OMIM 614385.

Submission:

Labcorp Genetics (formerly Invitae), Labcorp
Classification: Uncertain significance for Colorectal cancer, hereditary nonpolyposis, type 7. Last evaluated: 2023-07-08. Review status: criteria provided, single submitter. Criteria: Invitae Variant Classification Sherloc (09022015). Collection method: clinical testing. Allele origin: germline.
Comment: ClinVar contains an entry for this variant (Variation ID: 951010). In summary, the available evidence is currently insufficient to determine the role of this variant in disease. Therefore, it has been classified as a Variant of Uncertain Significance. This variant has not been reported in the literature in individuals affected with MLH3-related conditions. This variant is not present in population databases (gnomAD no frequency). This sequence change creates a premature translational stop signal (p.Gln423Glufs*3) in the MLH3 gene. It is expected to result in an absent or disrupted protein product. However, the current clinical and genetic evidence is not sufficient to establish whether loss-of-function variants in MLH3 cause disease.